The following is an entry in ClinVar:

NM_021098.3(CACNA1H):c.5573T>C (p.Val1858Ala)

Gene: CACNA1H (calcium voltage-gated channel subunit alpha1 H; plus strand). Cytogenetic location: 16p13.3.
Variant type: single nucleotide variant.
Coding change: c.5573T>C on transcript NM_021098.3 (MANE Select); coding-DNA position 5573, T replaced by C.
Protein change: p.Val1858Ala; replaces valine 1858 with alanine.
Molecular consequence: missense variant.
Genome position (GRCh38, 1-based): chr16:1,218,337, T>C. VCF-style: chr16-1218337-T-C. GRCh37 (hg19) VCF-style: chr16-1268337-T-C.
Other names: c.5555T>C, p.Val1852Ala (NM_001005407.2); short protein forms V1852A, V1858A.
Identifiers: ClinVar variation 1706123 (VCV001706123.8), dbSNP rs762026113, ClinGen allele CA276612487.

ClinVar aggregate classification (germline): Uncertain significance. Review status: criteria provided, multiple submitters, no conflicts (2 of 4 stars). 3 submissions from 3 submitters: Uncertain significance (3). Last evaluated 2025-11-02.

Conditions:
Idiopathic generalized epilepsy. Also called: Generalised epilepsy; EIG. Identifiers: MedGen C0270850, MONDO:0005579, OMIM 600669.
Hyperaldosteronism, familial, type IV (HALD4). Also called: FH IV; ALDOSTERONISM, PRIMARY, AND HYPERTENSION. Identifiers: Orphanet 642671, MedGen C4310756, MONDO:0014875, OMIM 617027.

Allele frequency attached by ClinVar (database versions not stated): gnomAD 0.00001; gnomAD exomes 0.00001; TOPMed 0.00002.
gnomAD v4.1: 13 of 1,560,864 alleles (0.00083%); highest among the groups gnomAD compares: Admixed American, 0.0039%; no homozygotes.

Submissions (3):

Labcorp Genetics (formerly Invitae), Labcorp
Classification: Uncertain significance for Idiopathic generalized epilepsy; Hyperaldosteronism, familial, type IV. Last evaluated: 2025-11-02. Review status: criteria provided, single submitter. Criteria: Invitae Variant Classification Sherloc (09022015). Collection method: clinical testing. Allele origin: germline.
Comment: This sequence change replaces valine, which is neutral and non-polar, with alanine, which is neutral and non-polar, at codon 1858 of the CACNA1H protein (p.Val1858Ala). This variant is not present in population databases (gnomAD no frequency). This variant has not been reported in the literature in individuals affected with CACNA1H-related conditions. ClinVar contains an entry for this variant (Variation ID: 1706123). Invitae Evidence Modeling of protein sequence and biophysical properties (such as structural, functional, and spatial information, amino acid conservation, physicochemical variation, residue mobility, and thermodynamic stability) indicates that this missense variant is expected to disrupt CACNA1H protein function with a positive predictive value of 80%. In summary, the available evidence is currently insufficient to determine the role of this variant in disease. Therefore, it has been classified as a Variant of Uncertain Significance.

Blueprint Genetics
Classification: Uncertain significance. Last evaluated: 2024-09-02. Review status: criteria provided, single submitter. Criteria: ACMG Guidelines, 2015. Collection method: clinical testing. Allele origin: germline.

GeneDx
Classification: Uncertain significance. Last evaluated: 2022-03-14. Review status: criteria provided, single submitter. Criteria: GeneDx Variant Classification Process June 2021. Collection method: clinical testing. Allele origin: germline. Affected: yes.
Comment: Not observed at significant frequency in large population cohorts (gnomAD); In silico analysis supports that this missense variant has a deleterious effect on protein structure/function; Has not been previously published as pathogenic or benign to our knowledge